The following is an entry in ClinVar:

ClinVar aggregate classification (germline): Uncertain significance (1 of 4 stars; one submission).

Conditions:
Joubert syndrome 22 (JBTS22). Identifiers: Orphanet 2754, MedGen C3810278, MONDO:0014297, OMIM 615665.

gnomAD v4.1: 12 of 1,612,202 alleles (0.00074%); highest among the groups gnomAD compares: Non-Finnish European, 0.001%; no homozygotes.

Submission:

Labcorp Genetics (formerly Invitae), Labcorp
Classification: Uncertain significance for Joubert syndrome 22. Last evaluated: 2025-10-28. Review status: criteria provided, single submitter. Criteria: Invitae Variant Classification Sherloc (09022015). Collection method: clinical testing. Allele origin: germline.
Comment: This sequence change falls in intron 1 of the PDE6D gene. It does not directly change the encoded amino acid sequence of the PDE6D protein. It affects a nucleotide within the consensus splice site. This variant is present in population databases (rs371279759, gnomAD 0.0009%). This variant has not been reported in the literature in individuals affected with PDE6D-related conditions. Variants that disrupt the consensus splice site are a relatively common cause of aberrant splicing (PMID: 17576681, 9536098). Algorithms developed to predict the effect of sequence changes on RNA splicing suggest that this variant may disrupt the consensus splice site. In summary, the available evidence is currently insufficient to determine the role of this variant in disease. Therefore, it has been classified as a Variant of Uncertain Significance.

Literature cited by the submitters: PubMed 17576681; PubMed 9536098.

NM_002601.4(PDE6D):c.50+6C>G

Gene: PDE6D (phosphodiesterase 6D; minus strand). Cytogenetic location: 2q37.1.
Variant type: single nucleotide variant.
Coding change: c.50+6C>G on transcript NM_002601.4 (MANE Select); 6 bases into the intron after coding-DNA position 50, C replaced by G.
Molecular consequence: intron variant.
Genome position (GRCh38, 1-based): chr2:231,781,059, G>C on the plus strand (C>G on the coding strand, the complement: PDE6D is on the minus strand). VCF-style: chr2-231781059-G-C. GRCh37 (hg19) VCF-style: chr2-232645769-G-C.
Other names: c.50+6C>G (NM_001291018.2).
Identifiers: ClinVar variation 4781581 (VCV004781581.1).